The following is an entry in ClinVar:

NM_001843.4(CNTN1):c.1228+308A>C

Gene: CNTN1 (contactin 1; plus strand). Cytogenetic location: 12q12.
Variant type: single nucleotide variant.
Coding change: c.1228+308A>C on transcript NM_001843.4 (MANE Select); 308 bases into the intron after coding-DNA position 1228, A replaced by C.
Molecular consequence: intron variant.
Genome position (GRCh38, 1-based): chr12:40,937,995, A>C. VCF-style: chr12-40937995-A-C. GRCh37 (hg19) VCF-style: chr12-41331797-A-C.
Other names: c.1228+308A>C (NM_001256063.2, NM_001256064.2); c.1195+308A>C (NM_175038.2).
Identifiers: ClinVar variation 671103 (VCV000671103.1), dbSNP rs7957480, ClinGen allele CA235401671.

ClinVar aggregate classification (germline): Benign (1 of 4 stars; one submission).

Allele frequency attached by ClinVar (database versions not stated): 1000 Genomes Project 0.14856; 1000 Genomes Project 30x 0.15194; gnomAD 0.17360 and 0.17680; TOPMed 0.17576.
gnomAD v4.1: 26,408 of 152,114 alleles (17%); highest among the groups gnomAD compares: Middle Eastern, 20%; 2,279 homozygotes.

Submission:

GeneDx
Classification: Benign. Last evaluated: 2018-06-16. Review status: criteria provided, single submitter. Criteria: GeneDx Variant Classification (06012015). Collection method: clinical testing. Allele origin: germline. Affected: yes.
Comment: This variant is considered likely benign or benign based on one or more of the following criteria: it is a conservative change, it occurs at a poorly conserved position in the protein, it is predicted to be benign by multiple in silico algorithms, and/or has population frequency not consistent with disease.